The following is an entry in ClinVar:

ClinVar aggregate classification (germline): Uncertain significance (1 of 4 stars; one submission).

Conditions:
Tuberous sclerosis 1 (TSC1). Identifiers: Orphanet 805, MedGen C1854465, MONDO:0008612, OMIM 191100.

Allele frequency attached by ClinVar (database versions not stated): ExAC 0.00001.

Submission:

Labcorp Genetics (formerly Invitae), Labcorp
Classification: Uncertain significance for Tuberous sclerosis 1. Last evaluated: 2025-08-25. Review status: criteria provided, single submitter. Criteria: Invitae Variant Classification Sherloc (09022015). Collection method: clinical testing. Allele origin: germline.
Comment: This sequence change replaces proline, which is neutral and non-polar, with glutamine, which is neutral and polar, at codon 169 of the TSC1 protein (p.Pro169Gln). This variant is present in population databases (rs767215560, gnomAD 0.006%). This variant has not been reported in the literature in individuals affected with TSC1-related conditions. ClinVar contains an entry for this variant (Variation ID: 2724280). Invitae Evidence Modeling of protein sequence and biophysical properties (such as structural, functional, and spatial information, amino acid conservation, physicochemical variation, residue mobility, and thermodynamic stability) has been performed for this missense variant. However, the output from this modeling did not meet the statistical confidence thresholds required to predict the impact of this variant on TSC1 protein function. In summary, the available evidence is currently insufficient to determine the role of this variant in disease. Therefore, it has been classified as a Variant of Uncertain Significance.

NM_000368.5(TSC1):c.506C>A (p.Pro169Gln)

Gene: TSC1 (TSC complex subunit 1; minus strand). Cytogenetic location: 9q34.13.
Variant type: single nucleotide variant.
Coding change: c.506C>A on transcript NM_000368.5 (MANE Select); coding-DNA position 506, C replaced by A.
Protein change: p.Pro169Gln; replaces proline 169 with glutamine.
Molecular consequence: missense variant. On other transcripts: 5 prime UTR variant (5), non-coding transcript variant (5).
Genome position (GRCh38, 1-based): chr9:132,923,350, G>T on the plus strand (C>A on the coding strand, the complement: TSC1 is on the minus strand). VCF-style: chr9-132923350-G-T. GRCh37 (hg19) VCF-style: chr9-135798737-G-T.
Other names: c.506C>A, p.Pro169Gln (NM_001162426.2, NM_001406592.1, NM_001406593.1 and 16 more transcripts); c.353C>A, p.Pro118Gln (NM_001162427.2, NM_001406610.1, NM_001406611.1 and 2 more transcripts); c.143C>A, p.Pro48Gln (NM_001362177.2, NM_001406618.1, NM_001406619.1 and 10 more transcripts); c.-372C>A (NM_001406626.1, NM_001406627.1, NM_001406628.1); c.-514C>A (NM_001406629.1); c.-588C>A (NM_001406630.1); short protein forms P118Q, P169Q, P48Q.
Identifiers: ClinVar variation 2724280 (VCV002724280.3), dbSNP rs767215560, ClinGen allele CA037608.